The following is an entry in ClinVar:

NM_001283009.2(RTEL1):c.3423G>A (p.Pro1141=)

Genes: RTEL1 (regulator of telomere elongation helicase 1; plus strand), RTEL1-TNFRSF6B (RTEL1-TNFRSF6B readthrough (NMD candidate); plus strand). Cytogenetic location: 20q13.33.
Variant type: single nucleotide variant.
Coding change: c.3423G>A on transcript NM_001283009.2 (MANE Select); coding-DNA position 3423, G replaced by A.
Protein change: p.Pro1141=; no amino-acid change (proline 1141 retained).
Molecular consequence: synonymous variant. On other transcripts: non-coding transcript variant (1).
Genome position (GRCh38, 1-based): chr20:63,695,145, G>A. VCF-style: chr20-63695145-G-A. GRCh37 (hg19) VCF-style: chr20-62326498-G-A.
Other names: c.2754G>A, p.Pro918= (NM_001283010.1); c.3423G>A, p.Pro1141= (NM_016434.4); c.3495G>A, p.Pro1165= (NM_032957.5).
Identifiers: ClinVar variation 540953 (VCV000540953.45), dbSNP rs41306796, ClinGen allele CA9966026.

ClinVar aggregate classification (germline): Benign/Likely benign. Review status: criteria provided, multiple submitters, no conflicts (2 of 4 stars). 10 submissions from 10 submitters: Benign (3); Likely benign (3). 4 of the submissions do not count toward it. Last evaluated 2026-07-01.

Conditions:
Immunodeficiency. Identifiers: MedGen C0021051, MONDO:0021094, HP:0002721.
Dyskeratosis congenita, autosomal recessive 5 (DKCB5). Identifiers: MedGen C3554656, MONDO:0014076, OMIM 615190.
Pulmonary fibrosis and/or bone marrow failure, Telomere-related, 3. Also called: PULMONARY FIBROSIS AND/OR BONE MARROW FAILURE SYNDROME, TELOMERE-RELATED, 3. Identifiers: Orphanet 2032, MedGen C4225346, MONDO:0014613, OMIM 616373.
Inborn genetic diseases. Identifiers: MedGen C0950123, MeSH D030342.
Dyskeratosis congenita. Identifiers: Orphanet 1775, MedGen C0265965, MONDO:0015780.

Allele frequency attached by ClinVar (database versions not stated): 1000 Genomes Project 0.00100; 1000 Genomes Project 30x 0.00125; ExAC 0.00150; gnomAD exomes 0.00156 and 0.00262; gnomAD 0.00184 and 0.00207; TOPMed 0.00193; ESP Exome Variant Server 0.00256.
gnomAD v4.1: 4,053 of 1,612,370 alleles (0.25%); highest among the groups gnomAD compares: Non-Finnish European, 0.32%; 9 homozygotes.

Submissions (10):

CeGaT Center for Human Genetics Tuebingen
Classification: Likely benign. Last evaluated: 2026-07-01. Review status: criteria provided, single submitter. Criteria: CeGaT Center For Human Genetics Tuebingen Variant Classification Criteria Version 2. Collection method: clinical testing. Allele origin: germline. Affected: yes. Observed: 8 variant alleles.
Comment: RTEL1: BP4, BP7

Labcorp Genetics (formerly Invitae), Labcorp
Classification: Benign for Dyskeratosis congenita, autosomal recessive 5; Pulmonary fibrosis and/or bone marrow failure, Telomere-related, 3. Last evaluated: 2026-02-02. Review status: criteria provided, single submitter. Criteria: Invitae Variant Classification Sherloc (09022015). Collection method: clinical testing. Allele origin: germline.

Blueprint Genetics
Classification: Likely benign. Last evaluated: 2024-11-13. Review status: criteria provided, single submitter. Criteria: ACMG Guidelines, 2015. Collection method: clinical testing. Allele origin: germline.

Ambry Genetics
Classification: Likely benign for Inborn genetic diseases. Last evaluated: 2022-02-14. Review status: criteria provided, single submitter. Criteria: Ambry Variant Classification Scheme 2023. Collection method: clinical testing. Allele origin: germline.

Sema4
Classification: Benign for Dyskeratosis congenita. Last evaluated: 2020-08-25. Review status: criteria provided, single submitter. Criteria: Sema4 Curation Guidelines. Collection method: curation. Allele origin: germline.

Breakthrough Genomics
Classification: Benign. Review status: criteria provided, single submitter. Criteria: ACMG Guidelines, 2015. Collection method: not provided. Allele origin: germline. Inheritance: Autosomal recessive inheritance. Affected: yes.

Natera, Inc.
Classification: Benign for Dyskeratosis congenita. Last evaluated: 2020-09-16. Review status: no assertion criteria provided. Collection method: clinical testing. Allele origin: germline. Not counted in ClinVar's aggregate classification.

Clinical Genetics DNA and cytogenetics Diagnostics Lab, Erasmus MC, Erasmus Medical Center
Classification: Likely benign. Review status: no assertion criteria provided. Collection method: clinical testing. Allele origin: germline. Affected: yes. Study: VKGL Data-share Consensus. Not counted in ClinVar's aggregate classification.

Institute of Human Genetics, University of Wuerzburg
Classification: Uncertain significance for Immunodeficiency. Review status: no assertion criteria provided. Collection method: clinical testing. Allele origin: unknown. Not counted in ClinVar's aggregate classification.

Laboratory of Diagnostic Genome Analysis, Leiden University Medical Center (LUMC)
Classification: Likely benign. Review status: no assertion criteria provided. Collection method: clinical testing. Allele origin: germline. Affected: yes. Study: VKGL Data-share Consensus. Not counted in ClinVar's aggregate classification.